The following is an entry in ClinVar:

NM_006612.6(KIF1C):c.1346A>G (p.Lys449Arg)

Gene: KIF1C (kinesin family member 1C; plus strand). Cytogenetic location: 17p13.2.
Variant type: single nucleotide variant.
Coding change: c.1346A>G on transcript NM_006612.6 (MANE Select); coding-DNA position 1346, A replaced by G.
Protein change: p.Lys449Arg; replaces lysine 449 with arginine.
Molecular consequence: missense variant.
Genome position (GRCh38, 1-based): chr17:5,007,273, A>G. VCF-style: chr17-5007273-A-G. GRCh37 (hg19) VCF-style: chr17-4910568-A-G.
Other names: short protein forms K449R.
Identifiers: ClinVar variation 450099 (VCV000450099.18), dbSNP rs142046798, ClinGen allele CA8318947.

ClinVar aggregate classification (germline): Conflicting classifications of pathogenicity. Review status: criteria provided, conflicting classifications (1 of 4 stars). 7 submissions from 7 submitters: Pathogenic (1); Uncertain significance (3); Likely benign (1). 2 of the submissions do not count toward it. Last evaluated 2025-11-27.

Conditions:
Spastic ataxia 2. Also called: Ataxia, spastic, 2, autosomal recessive. Identifiers: Orphanet 397946, MedGen C1969796, MONDO:0012651, OMIM 611302.
Hereditary spastic paraplegia. Also called: Familial spastic paraparesis. Identifiers: Orphanet 685, MedGen C0037773, MONDO:0019064. Disease mechanism: loss of function.

Allele frequency attached by ClinVar (database versions not stated): gnomAD exomes 0.00003 and 0.00009; gnomAD 0.00008 and 0.00009; ExAC 0.00011; TOPMed 0.00014; ESP Exome Variant Server 0.00015; 1000 Genomes Project 0.00020; 1000 Genomes Project 30x 0.00031.
gnomAD v4.1: 61 of 1,609,156 alleles (0.0038%); highest among the groups gnomAD compares: Admixed American, 0.017%; 1 homozygote.

Submissions (7):

Labcorp Genetics (formerly Invitae), Labcorp
Classification: Likely benign for Spastic ataxia 2. Last evaluated: 2025-11-27. Review status: criteria provided, single submitter. Criteria: Invitae Variant Classification Sherloc (09022015). Collection method: clinical testing. Allele origin: germline.

Molecular Genetics, Royal Melbourne Hospital
Classification: Uncertain significance for Spastic ataxia 2. Last evaluated: 2023-09-04. Review status: criteria provided, single submitter. Criteria: ACMG Guidelines, 2015. Collection method: clinical testing. Allele origin: germline. Inheritance: Autosomal recessive inheritance.

GeneDx
Classification: Uncertain significance. Last evaluated: 2017-06-28. Review status: criteria provided, single submitter. Criteria: GeneDx Variant Classification (06012015). Collection method: clinical testing. Allele origin: germline. Affected: yes.
Comment: A variant of uncertain significance has been identified in the KIF1C gene. The K449R variant has not been published as a pathogenic variant, nor has it been reported as a benign variant to our knowledge. The K449R variant is observed in 3/5962 (0.05%) alleles from individuals of Latino background (Lek et al., 2016; 1000 Genomes Consortium et al., 2015; Exome Variant Server). This substitution occurs at a position that is conserved across species. In silico analysis predicts this variant is probably damaging to the protein structure/function. However, the K449R variant is a conservative amino acid substitution, which is not likely to impact secondary protein structure as these residues share similar properties. Therefore, based on the currently available information, it is unclear whether this variant is a pathogenic variant or a rare benign variant.

Genome Diagnostics Laboratory, The Hospital for Sick Children
Classification: Uncertain significance for Hereditary spastic paraplegia. Last evaluated: 2017-02-08. Review status: criteria provided, single submitter. Criteria: ACMG Guidelines, 2015. Collection method: clinical testing. Allele origin: germline. Affected: yes.

Paris Brain Institute, Inserm - ICM
Classification: Pathogenic for Spastic ataxia 2. Review status: criteria provided, single submitter. Criteria: ACMG Guidelines, 2015. Collection method: clinical testing. Allele origin: unknown. Affected: yes. Observed: 1 variant allele.

Clinical Genetics DNA and cytogenetics Diagnostics Lab, Erasmus MC, Erasmus Medical Center
Classification: Uncertain significance. Review status: no assertion criteria provided. Collection method: clinical testing. Allele origin: germline. Affected: yes. Study: VKGL Data-share Consensus. Not counted in ClinVar's aggregate classification.

Genome Diagnostics Laboratory, Amsterdam University Medical Center
Classification: Uncertain significance. Review status: no assertion criteria provided. Collection method: clinical testing. Allele origin: germline. Affected: yes. Study: VKGL Data-share Consensus. Not counted in ClinVar's aggregate classification.